The following is an entry in ClinVar:

NM_006912.6(RIT1):c.14C>T (p.Thr5Ile)

Gene: RIT1 (Ras like without CAAX 1; minus strand). Cytogenetic location: 1q22.
Variant type: single nucleotide variant.
Coding change: c.14C>T on transcript NM_006912.6 (MANE Select); coding-DNA position 14, C replaced by T.
Protein change: p.Thr5Ile; replaces threonine 5 with isoleucine.
Molecular consequence: missense variant. On other transcripts: intron variant (1).
Genome position (GRCh38, 1-based): chr1:155,910,748, G>A on the plus strand (C>T on the coding strand, the complement: RIT1 is on the minus strand). VCF-style: chr1-155910748-G-A. GRCh37 (hg19) VCF-style: chr1-155880539-G-A.
Other names: c.65C>T, p.Thr22Ile (NM_001256821.2); c.-2-242C>T (NM_001256820.2); short protein forms T5I, T22I.
Identifiers: ClinVar variation 2819620 (VCV002819620.3), dbSNP rs2527198125, ClinGen allele CA342776545.

ClinVar aggregate classification (germline): Uncertain significance (1 of 4 stars; one submission).

Conditions:
Noonan syndrome 8 (NS8). Identifiers: Orphanet 648, MedGen C3809233, MONDO:0014143, OMIM 615355.

Submission:

Labcorp Genetics (formerly Invitae), Labcorp
Classification: Uncertain significance for Noonan syndrome 8. Last evaluated: 2022-12-17. Review status: criteria provided, single submitter. Criteria: Invitae Variant Classification Sherloc (09022015). Collection method: clinical testing. Allele origin: germline.
Comment: This sequence change replaces threonine, which is neutral and polar, with isoleucine, which is neutral and non-polar, at codon 5 of the RIT1 protein (p.Thr5Ile). This variant is not present in population databases (gnomAD no frequency). This variant has not been reported in the literature in individuals affected with RIT1-related conditions. Advanced modeling of protein sequence and biophysical properties (such as structural, functional, and spatial information, amino acid conservation, physicochemical variation, residue mobility, and thermodynamic stability) performed at Invitae indicates that this missense variant is not expected to disrupt RIT1 protein function. In summary, the available evidence is currently insufficient to determine the role of this variant in disease. Therefore, it has been classified as a Variant of Uncertain Significance.